The following is an entry in ClinVar:

ClinVar aggregate classification (germline): Likely benign. Review status: criteria provided, multiple submitters, no conflicts (2 of 4 stars). 3 submissions from 3 submitters: Likely benign (2). 1 of the submissions does not count toward it. Last evaluated 2026-01-08.

Conditions:
SEMA3E-related disorder. Also called: SEMA3E-related condition.
CHARGE syndrome (CHARGE). Also called: Hittner Hirsch Kreh syndrome; CHARGE ASSOCIATION--COLOBOMA, HEART ANOMALY, CHOANAL ATRESIA, RETARDATION, GENITAL AND EAR ANOMALIES; Coloboma, heart anomaly, choanal atresia, retardation, genital and ear anomalies; CHARGE association; Hall-Hittner syndrome. Identifiers: Orphanet 138, MedGen C0265354, MONDO:0008965.
Hypogonadotropic hypogonadism 7 with or without anosmia (HH7). Also called: GNRHR-Related GnRH Deficiency; HYPOGONADOTROPIC HYPOGONADISM 7 WITHOUT ANOSMIA. Identifiers: Orphanet 432, MedGen C0342384, MONDO:0007794, OMIM 146110.

Allele frequency attached by ClinVar (database versions not stated): TOPMed 0.00010; gnomAD exomes 0.00015 and 0.00034; 1000 Genomes Project 30x 0.00016; 1000 Genomes Project 0.00020; ExAC 0.00029; gnomAD 0.00033 and 0.00035.

Submissions (3):

Labcorp Genetics (formerly Invitae), Labcorp
Classification: Likely benign for CHARGE syndrome. Last evaluated: 2026-01-08. Review status: criteria provided, single submitter. Criteria: Invitae Variant Classification Sherloc (09022015). Collection method: clinical testing. Allele origin: germline.

Fulgent Genetics
Classification: Likely benign for Hypogonadotropic hypogonadism 7 with or without anosmia; CHD7-related CHARGE syndrome. Last evaluated: 2021-09-15. Review status: criteria provided, single submitter. Criteria: ACMG Guidelines, 2015. Collection method: clinical testing. Allele origin: unknown.

PreventionGenetics, part of Exact Sciences
Classification: Likely benign for SEMA3E-related condition. Last evaluated: 2022-03-16. Review status: no assertion criteria provided. Collection method: clinical testing. Allele origin: germline. Not counted in ClinVar's aggregate classification.
Comment: This variant is classified as likely benign based on ACMG/AMP sequence variant interpretation guidelines (Richards et al. 2015 PMID: 25741868, with internal and published modifications).

NM_012431.3(SEMA3E):c.1174G>A (p.Gly392Arg)

Gene: SEMA3E (semaphorin 3E; minus strand). Cytogenetic location: 7q21.11.
Variant type: single nucleotide variant.
Coding change: c.1174G>A on transcript NM_012431.3 (MANE Select); coding-DNA position 1174, G replaced by A.
Protein change: p.Gly392Arg; replaces glycine 392 with arginine.
Molecular consequence: missense variant.
Genome position (GRCh38, 1-based): chr7:83,400,220, C>T on the plus strand (G>A on the coding strand, the complement: SEMA3E is on the minus strand). VCF-style: chr7-83400220-C-T. GRCh37 (hg19) VCF-style: chr7-83029536-C-T.
Other names: c.994G>A, p.Gly332Arg (NM_001178129.2); short protein forms G392R, G332R.
Identifiers: ClinVar variation 705462 (VCV000705462.12), dbSNP rs181129823, ClinGen allele CA4322090.